The following is an entry in ClinVar:

ClinVar aggregate classification (germline): Uncertain significance (1 of 4 stars; one submission).

Submission:

Labcorp Genetics (formerly Invitae), Labcorp
Classification: Uncertain significance. Last evaluated: 2023-12-11. Review status: criteria provided, single submitter. Criteria: Invitae Variant Classification Sherloc (09022015). Collection method: clinical testing. Allele origin: germline.
Comment: This sequence change replaces glutamine, which is neutral and polar, with glutamic acid, which is acidic and polar, at codon 711 of the CTNNB1 protein (p.Gln711Glu). This variant is not present in population databases (gnomAD no frequency). This variant has not been reported in the literature in individuals affected with CTNNB1-related conditions. Advanced modeling of protein sequence and biophysical properties (such as structural, functional, and spatial information, amino acid conservation, physicochemical variation, residue mobility, and thermodynamic stability) performed at Invitae indicates that this missense variant is not expected to disrupt CTNNB1 protein function with a negative predictive value of 80%. In summary, the available evidence is currently insufficient to determine the role of this variant in disease. Therefore, it has been classified as a Variant of Uncertain Significance.

NM_001904.4(CTNNB1):c.2131C>G (p.Gln711Glu)

Gene: CTNNB1 (catenin beta 1; plus strand). Cytogenetic location: 3p22.1.
Variant type: single nucleotide variant.
Coding change: c.2131C>G on transcript NM_001904.4 (MANE Select); coding-DNA position 2131, C replaced by G.
Protein change: p.Gln711Glu; replaces glutamine 711 with glutamic acid.
Molecular consequence: missense variant.
Genome position (GRCh38, 1-based): chr3:41,238,070, C>G. VCF-style: chr3-41238070-C-G. GRCh37 (hg19) VCF-style: chr3-41279561-C-G.
Other names: c.2131C>G, p.Gln711Glu (NM_001098209.2, NM_001098210.2); c.2110C>G, p.Gln704Glu (NM_001330729.2); short protein forms Q704E, Q711E.
Identifiers: ClinVar variation 3001806 (VCV003001806.3), dbSNP rs2470857442, ClinGen allele CA352237036.